The following is an entry in ClinVar:

NM_001267550.2(TTN):c.96525C>G (p.Tyr32175Ter)

Genes: TTN (titin; minus strand), TTN-AS1 (TTN antisense RNA 1; plus strand), LOC126806421 (CDK7 strongly-dependent group 2 enhancer GRCh37_chr2:179407630-179408829; plus strand). Cytogenetic location: 2q31.2.
Variant type: single nucleotide variant.
Coding change: c.96525C>G on transcript NM_001267550.2 (MANE Select); coding-DNA position 96525, C replaced by G.
Protein change: p.Tyr32175Ter; replaces tyrosine 32175 with a stop codon.
Molecular consequence: nonsense.
Genome position (GRCh38, 1-based): chr2:178,543,448, G>C on the plus strand (C>G on the coding strand, the complement: TTN is on the minus strand). VCF-style: chr2-178543448-G-C. GRCh37 (hg19) VCF-style: chr2-179408175-G-C.
Other names: c.91602C>G, p.Tyr30534Ter (NM_001256850.1); c.69330C>G, p.Tyr23110Ter (NM_003319.4); c.88821C>G, p.Tyr29607Ter (NM_133378.4); c.69705C>G, p.Tyr23235Ter (NM_133432.3); c.69906C>G, p.Tyr23302Ter (NM_133437.4); short protein forms Y23235*, Y30534*, Y23110*, Y32175*, Y23302*, Y29607*.
Identifiers: ClinVar variation 2948367 (VCV002948367.3), dbSNP rs778126823, ClinGen allele CA349447685.
Genomic context (GRCh38, chr2:178,543,448, plus strand): 5'-ATCAGATGTTTCACAAGGTTCTCCAATGCCATAAATATTTTCTGGCAGCACTCTGAAATA[G>C]TACATGGTTCCTTCTACAAGTCCAGAAATTCTGTAAAGTGTCTTGCTGCATTTGGTAGTT-3'

ClinVar aggregate classification (germline): Likely pathogenic (1 of 4 stars; one submission).

Conditions:
Dilated cardiomyopathy 1G (CMD1G). Identifiers: Orphanet 154, MedGen C1858763, MONDO:0011400, OMIM 604145.
Autosomal recessive limb-girdle muscular dystrophy type 2J (LGMDR10). Also called: Limb-girdle muscular dystrophy, type 2J; MUSCULAR DYSTROPHY, LIMB-GIRDLE, AUTOSOMAL RECESSIVE 10. Identifiers: Orphanet 140922, MedGen C1837342, MONDO:0012127, OMIM 608807.

Submission:

Labcorp Genetics (formerly Invitae), Labcorp
Classification: Likely pathogenic for Dilated cardiomyopathy 1G; Autosomal recessive limb-girdle muscular dystrophy type 2J. Last evaluated: 2023-10-24. Review status: criteria provided, single submitter. Criteria: Invitae Variant Classification Sherloc (09022015). Collection method: clinical testing. Allele origin: germline.
Comment: This sequence change creates a premature translational stop signal (p.Tyr32175*) in the TTN gene. While this is not anticipated to result in nonsense mediated decay, it is expected to create a truncated TTN protein. This variant is not present in population databases (gnomAD no frequency). This variant has not been reported in the literature in individuals affected with TTN-related conditions. This variant is located in the A band of TTN (PMID: 25589632). Truncating variants in this region are significantly overrepresented in patients affected with dilated cardiomyopathy (PMID: 25589632). Truncating variants in this region have also been reported in individuals affected with autosomal recessive centronuclear myopathy (PMID: 23975875). In summary, the currently available evidence indicates that the variant is pathogenic, but additional data are needed to prove that conclusively. Therefore, this variant has been classified as Likely Pathogenic.

Literature cited by the submitters: PubMed 25589632; PubMed 23975875.